The following is an entry in ClinVar:

NM_033380.3(COL4A5):c.1913G>A (p.Gly638Asp)

Gene: COL4A5 (collagen type IV alpha 5 chain; plus strand). Cytogenetic location: Xq22.3.
Variant type: single nucleotide variant.
Coding change: c.1913G>A on transcript NM_033380.3 (MANE Select); coding-DNA position 1913, G replaced by A.
Protein change: p.Gly638Asp; replaces glycine 638 with aspartic acid.
Molecular consequence: missense variant.
Genome position (GRCh38, 1-based): chrX:108,598,835, G>A. VCF-style: chrX-108598835-G-A. GRCh37 (hg19) VCF-style: chrX-107842065-G-A.
Other names: c.1913G>A, p.Gly638Asp (NM_000495.5); short protein forms G638D.
Identifiers: ClinVar variation 4854059 (VCV004854059.1), dbSNP rs104886134.

ClinVar aggregate classification (germline): Likely pathogenic (1 of 4 stars; one submission).

Conditions:
X-linked Alport syndrome (ATS1). Also called: NEPHROPATHY AND DEAFNESS, X-LINKED; COL4A5-Related Nephropathy. Identifiers: Orphanet 63, Orphanet 88917, MedGen C4746986, MONDO:0010520, OMIM 301050.

Submission:

3billion
Classification: Likely pathogenic for X-linked Alport syndrome. Last evaluated: 2025-06-01. Review status: criteria provided, single submitter. Criteria: ACMG Guidelines, 2015. Collection method: clinical testing. Allele origin: germline. Affected: yes.
Comment: The variant is not observed in the gnomAD v4.1.0 dataset. Predicted Consequence/Location: The variant is located in a mutational hot spot and/or well-established functional domain in which established pathogenic variants have been reported (N/A). In silico tool predictions suggest damaging effect of the variant on gene or gene product [REVEL: 0.99 (>=0.6, sensitivity 0.68 and specificity 0.92); 3Cnet: 0.92 (> 0.75, sensitivity 0.96 and precision 0.92)]. The same nucleotide change resulting in the same amino acid change has been previously reported to be associated with COL4A5-related disorder (PMID: 22921432). Different missense changes at the same codon (p.Gly638Ala, p.Gly638Arg, p.Gly638Ser, p.Gly638Val) have been reported as pathogenic/likely pathogenic with strong evidence (ClinVar ID: VCV000024461, VCV003346167, VCV003380928 /PMID: 10094548, 33040356, 7599631). Therefore, this variant is classified as Likely pathogenic according to the recommendation of ACMG/AMP guideline.

Literature cited by the submitters: PubMed 10094548; PubMed 22921432.